The following is an entry in ClinVar:

NM_023915.4(GPR87):c.900T>G (p.Leu300=)

Genes: GPR87 (G protein-coupled receptor 87; minus strand), MED12L (mediator complex subunit 12L; plus strand). Cytogenetic location: 3q25.1.
Variant type: single nucleotide variant.
Coding change: c.900T>G on transcript NM_023915.4 (MANE Select); coding-DNA position 900, T replaced by G.
Protein change: p.Leu300=; no amino-acid change (leucine 300 retained).
Molecular consequence: synonymous variant. On other transcripts: intron variant (2).
Genome position (GRCh38, 1-based): chr3:151,294,346, A>C on the plus strand (T>G on the coding strand, the complement: GPR87 is on the minus strand). VCF-style: chr3-151294346-A-C. GRCh37 (hg19) VCF-style: chr3-151012134-A-C.
Other names: c.2251-55713A>C (NM_001393769.1); c.2146-55713A>C (NM_053002.6).
Identifiers: ClinVar variation 5041759 (VCV005041759.1).

ClinVar aggregate classification (germline): Likely benign (1 of 4 stars; one submission).

gnomAD v4.1: 19 of 1,614,124 alleles (0.0012%); highest among the groups gnomAD compares: Admixed American, 0.032%; no homozygotes.

Submission:

CeGaT Center for Human Genetics Tuebingen
Classification: Likely benign. Last evaluated: 2026-09-01. Review status: criteria provided, single submitter. Criteria: CeGaT Center For Human Genetics Tuebingen Variant Classification Criteria Version 2. Collection method: clinical testing. Allele origin: germline. Affected: yes. Observed: 1 variant allele.
Comment: GPR87: BP4, BP7